The following is an entry in ClinVar:

NM_000277.3(PAH):c.1208C>T (p.Ala403Val)

Gene: PAH (phenylalanine hydroxylase; minus strand). Cytogenetic location: 12q23.2.
Variant type: single nucleotide variant.
Coding change: c.1208C>T on transcript NM_000277.3 (MANE Select); coding-DNA position 1208, C replaced by T.
Protein change: p.Ala403Val; replaces alanine 403 with valine.
Molecular consequence: missense variant.
Genome position (GRCh38, 1-based): chr12:102,840,507, G>A on the plus strand (C>T on the coding strand, the complement: PAH is on the minus strand). VCF-style: chr12-102840507-G-A. GRCh37 (hg19) VCF-style: chr12-103234285-G-A.
Other names: p.A403V:GCT>GTT; NM_000277.1(PAH):c.1208C>T; c.1208C>T, p.Ala403Val (NM_001354304.2); c.1208C>T (NM_000277.2); short protein forms A403V.
Identifiers: ClinVar variation 92731 (VCV000092731.113), dbSNP rs5030857, ClinGen allele CA273106.

ClinVar aggregate classification (germline): Pathogenic. Review status: reviewed by expert panel (3 of 4 stars). 47 submissions from 47 submitters: Pathogenic (1). 46 of the submissions do not count toward it. Last evaluated 2018-08-10.

Conditions:
PAH-related disorder. Also called: PAH-related condition.
Autosomal recessive PAH-related disorders.
Inborn genetic diseases. Identifiers: MedGen C0950123, MeSH D030342.
Phenylketonuria (PKU). Also called: Phenylketonuria (PKU); OLIGOPHRENIA PHENYLPYRUVICA; Phenylketonurias; FOLLING DISEASE. Identifiers: Orphanet 716, MedGen C0031485, MONDO:0009861, OMIM 261600. Disease mechanism: loss of function.

Allele frequency attached by ClinVar (database versions not stated): 1000 Genomes Project 30x 0.00047; gnomAD exomes 0.00047 and 0.00060; ExAC 0.00054; ESP Exome Variant Server 0.00038; gnomAD 0.00056 and 0.00057; 1000 Genomes Project 0.00060; TOPMed 0.00061.
gnomAD v4.1: 783 of 1,612,886 alleles (0.049%); highest among the groups gnomAD compares: Middle Eastern, 0.18%; 3 homozygotes.

Submissions 1 to 8 of 47:

ClinGen PAH Variant Curation Expert Panel
Classification: Pathogenic for Phenylketonuria. Last evaluated: 2018-08-10. Review status: reviewed by expert panel. Criteria: ClinGen PAH ACMG Specifications v1. Collection method: curation. Allele origin: germline. Inheritance: Autosomal recessive inheritance.
Comment: PAH-specific ACMG/AMP criteria applied: PP4_Moderate: Seen on 3 PKU alleles, BH4 deficiency was ruled out. Upgraded per ClinGen Metabolic WG. (PMID:8268925); PM3_VeryStrong: A403V found with 4 pathogenic variants . Upgraded per ClinGen SVI workgroup. (PMID:9429153); PS3: In vitro A403V mutant protein activity was ~43% wt. (PMID:21820508). In summary this variant meets criteria to be classified as pathogenic for phenylketonuria in an autosomal recessive manner based on the ACMG/AMP criteria applied as specified by the PAH Expert Panel: (PP4_Moderate, PM3_VeryStrong, PS3).

PreventionGenetics, part of Exact Sciences
Classification: Pathogenic for PAH-related condition. Last evaluated: 2026-09-01. Review status: criteria provided, single submitter. Criteria: ACMG Guidelines, 2015. Collection method: clinical testing. Allele origin: germline. Not counted in ClinVar's aggregate classification.
Comment: The PAH c.1208C>T variant is predicted to result in the amino acid substitution p.Ala403Val. This variant has been commonly reported to be causative for hyperphenylalaninemia (e.g., Guldberg et al. 1993. PubMed ID: 8268925; Bénit et al. 1999. PubMed ID: 10479481; Spaapen et al. 2001. PubMed ID: 11486900; Table S3, Hillert et al. 2020. PubMed ID: 32668217) and is considered a mild hyperphenylalaninemia variant (Figure S4, Hillert et al. 2020. PubMed ID: 32668217). The p.Ala403Val substitution has been reported to reduce PAH enzyme activity to ~30% of wild-type and lead to a PAH protein that is responsive to tetrahydrobiopterin (BH4) (Zurflüh et al. 2008. PubMed ID: 17935162). In the ClinVar database, this variant is classified as pathogenic by the ClinGen PAH Variant Curation Expert Panel as well as multiple outside laboratories (Variation ID: 92731). In summary, we interpret this variant as pathogenic.

OLLIN Analises Genomicas, OLLIN
Classification: Pathogenic for Phenylketonuria. Last evaluated: 2026-08-06. Review status: criteria provided, single submitter. Criteria: ACMG Guidelines 2015 PMID 25741868. Collection method: clinical testing. Allele origin: germline. Inheritance: Autosomal recessive inheritance. Not counted in ClinVar's aggregate classification.
Comment: This missense variant, located in exon 12 (of 13), has been reported in ClinVar (accession VCV000092731.106) and in gnomAD with an allele frequency of 0.049%. However, to our knowledge, it has not been reported in the scientific literature. In silico analysis is inconclusive regarding the impact of this variant; however, functional studies suggest that it may affect protein function. According to the currently available evidence, this variant has been classified as pathogenic (PS3, PM3_VS, PP4_M).

CeGaT Center for Human Genetics Tuebingen
Classification: Pathogenic. Last evaluated: 2026-04-01. Review status: criteria provided, single submitter. Criteria: CeGaT Center For Human Genetics Tuebingen Variant Classification Criteria Version 2. Collection method: clinical testing. Allele origin: germline. Affected: yes. Observed: 18 variant alleles. Not counted in ClinVar's aggregate classification.
Comment: PAH: PM3:Very Strong, PS3, PM2, PP4:Moderate

Labcorp Genetics (formerly Invitae), Labcorp
Classification: Pathogenic for Phenylketonuria. Last evaluated: 2026-01-31. Review status: criteria provided, single submitter. Criteria: Invitae Variant Classification Sherloc (09022015). Collection method: clinical testing. Allele origin: germline. Not counted in ClinVar's aggregate classification.
Comment: This sequence change replaces alanine, which is neutral and non-polar, with valine, which is neutral and non-polar, at codon 403 of the PAH protein (p.Ala403Val). This variant is present in population databases (rs5030857, gnomAD 0.5%), and has an allele count higher than expected for a pathogenic variant. This missense change has been observed in individual(s) with BH4-responsive mild hyperphenylalaninemia (HPA), mild form of phenylketonuria, and/or non-PKU HPA (PMID: 2575001, 8268925, 8739972, 8830172, 9429153, 17096675, 25596310). In at least one individual the data is consistent with being in trans (on the opposite chromosome) from a pathogenic variant. It is commonly reported in individuals of Spanish, Italian, or Israeli ancestry (PMID: 8268925, 8739972, 8830172, 9429153, 25596310). ClinVar contains an entry for this variant (Variation ID: 92731). Invitae Evidence Modeling of protein sequence and biophysical properties (such as structural, functional, and spatial information, amino acid conservation, physicochemical variation, residue mobility, and thermodynamic stability) indicates that this missense variant is not expected to disrupt PAH protein function with a negative predictive value of 80%. Experimental studies have shown that this missense change affects PAH function (PMID: 21820508, 23500595, 23559577). For these reasons, this variant has been classified as Pathogenic.

Variantyx, Inc.
Classification: Pathogenic for Autosomal recessive PAH-related disorders. Last evaluated: 2026-01-12. Review status: criteria provided, single submitter. Criteria: Variantyx Assertion Criteria 2022. Collection method: clinical testing. Allele origin: germline. Inheritance: Autosomal recessive inheritance. Not counted in ClinVar's aggregate classification.
Comment: This is a nonsynonymous variant in the PAH gene (OMIM: 612349). Pathogenic variants in this gene have been associated with autosomal recessive PAH-related disorders. This variant has been identified in the homozygous or compound heterozygous state in at least eight individuals reported in the published literature (PMID: 37421234, 34828281, 23500595, 11486900, 10479481) (PM3) and in previous internal cases. This variant has also been associated with non-PKU mild hyperphenylalaninemia in the reported literature. Functional studies have shown that this variant alters PAH protein function (PMID: 10479481, 30037505, 21820508) (PS3) and multiple computational algorithms predict a deleterious effect for this variant (REVEL score: 0.922) (PP3). This variant has a 0.0465% maximum allele frequency in non-founder control populations. Based on the current evidence, this variant is classified as pathogenic for autosomal recessive PAH-related disorders.

Ambry Genetics
Classification: Pathogenic for Inborn genetic diseases. Last evaluated: 2025-09-24. Review status: criteria provided, single submitter. Criteria: Ambry Variant Classification Scheme 2023. Collection method: clinical testing. Allele origin: germline. Not counted in ClinVar's aggregate classification.
Comment: The c.1208C>T (p.A403V) alteration is located in coding exon 12 of the PAH gene. This alteration results from a C to T substitution at nucleotide position 1208, causing the alanine (A) at amino acid position 403 to be replaced by a valine (V). Based on data from gnomAD, the T allele has an overall frequency of 0.058% (164/282804) total alleles studied. The highest observed frequency was 0.511% (53/10368) of Ashkenazi Jewish alleles. The c.1208C>T (p.A403V) alteration has been detected in the homozygous state and/or in conjunction with other PAH variant(s) in individual(s) with phenylalanine hydroxylase deficiency, and is primarily associated with mild hyperphenylalaninemia phenotypes (Guldberg, 1993; Zekanowski, 1997; Benit, 1999; Aulehla-Scholz, 2003; Daniele, 2007; Bercovich, 2008; Couce, 2013; Ald&aacute;miz-Echevarr&iacute;a, 2016). In addition, clinical studies have indicated that this is a BH4-responsive allele (Zurfluh, 2008; Ald&aacute;miz-Echevarr&iacute;a, 2016). Other variant(s) at the same codon, c.1208C>A (p.A403D), have been identified in individual(s) with features consistent with phenylalanine hydroxylase deficiency (Wu, 2023). This amino acid position is highly conserved in available vertebrate species. In an assay testing PAH function, this variant showed a functionally abnormal result (Cerreto, 2011; Himmelreich, 2018). This alteration is predicted to be deleterious by in silico analysis. Based on the available evidence, this alteration is classified as pathogenic.

3billion
Classification: Pathogenic for Phenylketonuria. Last evaluated: 2025-09-02. Review status: criteria provided, single submitter. Criteria: ACMG Guidelines, 2015. Collection method: clinical testing. Allele origin: germline. Affected: yes. Not counted in ClinVar's aggregate classification.
Comment: The variant is observed at an extremely low frequency in the gnomAD v4.1.0 dataset (total allele frequency: 0.049%). Predicted Consequence/Location: Missense variant Functional studies provide strong evidence of the variant having a damaging effect on the gene or gene product (PMID: 21820508). In silico tool predictions suggest damaging effect of the variant on gene or gene product [REVEL: 0.92 (>=0.6, sensitivity 0.68 and specificity 0.92); 3Cnet: 0.99 (> 0.75, sensitivity 0.96 and precision 0.92)]. The same nucleotide change resulting in the same amino acid change has been previously reported as pathogenic/likely pathogenic with strong evidence (ClinVar ID: VCV000092731 /PMID: 8268925 /3billion dataset). The variant has been reported to be in trans with a pathogenic variant as either compound heterozygous or homozygous in at least 4 similarly affected unrelated individuals (PMID: 26481238, 9429153). A different missense change at the same codon (p.Ala403Asp) has been reported to be associated with PAH-related disorder (PMID: 36380532). Therefore, this variant is classified as Pathogenic according to the recommendation of ACMG/AMP guideline.